The following is an entry in ClinVar:

ClinVar aggregate classification (germline): Uncertain significance (1 of 4 stars; one submission).

gnomAD v4.1: 1 of 1,614,232 alleles (0.000062%); highest among the groups gnomAD compares: Non-Finnish European, 0.000085%; no homozygotes.

Submission:

Labcorp Genetics (formerly Invitae), Labcorp
Classification: Uncertain significance. Last evaluated: 2024-04-16. Review status: criteria provided, single submitter. Criteria: Invitae Variant Classification Sherloc (09022015). Collection method: clinical testing. Allele origin: germline.
Comment: This sequence change replaces histidine, which is basic and polar, with proline, which is neutral and non-polar, at codon 152 of the NSD1 protein (p.His152Pro). This variant is not present in population databases (gnomAD no frequency). This variant has not been reported in the literature in individuals affected with NSD1-related conditions. Advanced modeling of protein sequence and biophysical properties (such as structural, functional, and spatial information, amino acid conservation, physicochemical variation, residue mobility, and thermodynamic stability) performed at Invitae indicates that this missense variant is not expected to disrupt NSD1 protein function with a negative predictive value of 95%. In summary, the available evidence is currently insufficient to determine the role of this variant in disease. Therefore, it has been classified as a Variant of Uncertain Significance.

NM_022455.5(NSD1):c.455A>C (p.His152Pro)

Gene: NSD1 (nuclear receptor binding SET domain protein 1; plus strand). Cytogenetic location: 5q35.3.
Variant type: single nucleotide variant.
Coding change: c.455A>C on transcript NM_022455.5 (MANE Select); coding-DNA position 455, A replaced by C.
Protein change: p.His152Pro; replaces histidine 152 with proline.
Molecular consequence: missense variant. On other transcripts: intron variant (8).
Genome position (GRCh38, 1-based): chr5:177,135,558, A>C. VCF-style: chr5-177135558-A-C. GRCh37 (hg19) VCF-style: chr5-176562559-A-C.
Other names: c.-37+358A>C (NM_001409307.1, NM_172349.5, NM_001409309.1 and 4 more transcripts); c.455A>C, p.His152Pro (NM_001409301.1, NM_001409302.1, NM_001409303.1); c.417+38A>C (NM_001409304.1); short protein forms H152P.
Identifiers: ClinVar variation 3692013 (VCV003692013.2).